The following is an entry in ClinVar:

ClinVar aggregate classification (germline): Uncertain significance (1 of 4 stars; one submission).

Allele frequency attached by ClinVar (database versions not stated): ExAC 0.00001; gnomAD 0.00001.
gnomAD v4.1: 1 of 1,573,054 alleles (0.000064%); highest among the groups gnomAD compares: African/African-American, 0.0015%; no homozygotes.

Submission:

Labcorp Genetics (formerly Invitae), Labcorp
Classification: Uncertain significance. Last evaluated: 2026-01-28. Review status: criteria provided, single submitter. Criteria: Invitae Variant Classification Sherloc (09022015). Collection method: clinical testing. Allele origin: germline.
Comment: This sequence change replaces histidine, which is basic and polar, with proline, which is neutral and non-polar, at codon 1030 of the PTPN23 protein (p.His1030Pro). This variant is present in population databases (rs766163880, gnomAD 0.007%). This variant has not been reported in the literature in individuals affected with PTPN23-related conditions. ClinVar contains an entry for this variant (Variation ID: 1942534). An algorithm developed to predict the effect of missense changes on protein structure and function outputs the following: PolyPhen-2: "Benign". The proline amino acid residue is found in multiple mammalian species, which suggests that this missense change does not adversely affect protein function. In summary, the available evidence is currently insufficient to determine the role of this variant in disease. Therefore, it has been classified as a Variant of Uncertain Significance.

NM_015466.4(PTPN23):c.3089A>C (p.His1030Pro)

Gene: PTPN23 (protein tyrosine phosphatase non-receptor type 23; plus strand). Cytogenetic location: 3p21.31.
Variant type: single nucleotide variant.
Coding change: c.3089A>C on transcript NM_015466.4 (MANE Select); coding-DNA position 3089, A replaced by C.
Protein change: p.His1030Pro; replaces histidine 1030 with proline.
Molecular consequence: missense variant.
Genome position (GRCh38, 1-based): chr3:47,410,887, A>C. VCF-style: chr3-47410887-A-C. GRCh37 (hg19) VCF-style: chr3-47452377-A-C.
Other names: c.2711A>C, p.His904Pro (NM_001304482.2); short protein forms H904P, H1030P.
Identifiers: ClinVar variation 1942534 (VCV001942534.5), dbSNP rs766163880, ClinGen allele CA2366197.